The following is an entry in ClinVar:

ClinVar aggregate classification (germline): Uncertain significance (1 of 4 stars; one submission).

Submission:

Labcorp Genetics (formerly Invitae), Labcorp
Classification: Uncertain significance. Last evaluated: 2022-08-09. Review status: criteria provided, single submitter. Criteria: Invitae Variant Classification Sherloc (09022015). Collection method: clinical testing. Allele origin: germline.
Comment: In summary, the available evidence is currently insufficient to determine the role of this variant in disease. Therefore, it has been classified as a Variant of Uncertain Significance. Variants that disrupt the consensus splice site are a relatively common cause of aberrant splicing (PMID: 17576681, 9536098). Algorithms developed to predict the effect of sequence changes on RNA splicing suggest that this variant may disrupt the consensus splice site. This variant has not been reported in the literature in individuals affected with TANGO2-related conditions. This variant is not present in population databases (gnomAD no frequency). This sequence change falls in intron 2 of the TANGO2 gene. It does not directly change the encoded amino acid sequence of the TANGO2 protein. It affects a nucleotide within the consensus splice site.

Literature cited by the submitters: PubMed 17576681; PubMed 9536098.

NM_152906.7(TANGO2):c.56+4A>G

Gene: TANGO2 (transport and golgi organization 2 homolog; plus strand). Cytogenetic location: 22q11.21.
Variant type: single nucleotide variant.
Coding change: c.56+4A>G on transcript NM_152906.7 (MANE Select); 4 bases into the intron after coding-DNA position 56, A replaced by G.
Molecular consequence: intron variant. On other transcripts: 5 prime UTR variant (12), non-coding transcript variant (1).
Genome position (GRCh38, 1-based): chr22:20,036,858, A>G. VCF-style: chr22-20036858-A-G. GRCh37 (hg19) VCF-style: chr22-20024381-A-G.
Other names: c.56+4A>G (NM_001283154.3, NM_001283199.3, NM_001322166.2 and 10 more transcripts); c.-124+4A>G (NM_001322155.2, NM_001322171.2, NM_001322153.2 and 5 more transcripts); c.-58A>G (NM_001283129.3, NM_001283215.3, NM_001322141.2 and 5 more transcripts); c.-360A>G (NM_001322148.2, NM_001322150.2, NM_001322172.2 and 1 more transcripts).
Identifiers: ClinVar variation 2010787 (VCV002010787.4), dbSNP rs2518307026, ClinGen allele CA2580099121.